The following is an entry in ClinVar:

NC_000002.11:g.(?_32314571)_(32314694_?)del

Gene: SPAST (spastin; plus strand). Cytogenetic location: 2p22.3.
Variant type: Deletion.
Identifiers: ClinVar variation 2426005 (VCV002426005.4).

ClinVar aggregate classification (germline): Pathogenic (1 of 4 stars; one submission).

Conditions:
Hereditary spastic paraplegia 4. Also called: Spastic paraplegia 4, autosomal dominant; Spastic Paraplegia 4; Familial spastic paraplegia autosomal dominant 2. Identifiers: Orphanet 100985, MedGen C1866855, MONDO:0008438, OMIM 182601.

Submission:

Labcorp Genetics (formerly Invitae), Labcorp
Classification: Pathogenic for Hereditary spastic paraplegia 4. Last evaluated: 2022-05-08. Review status: criteria provided, single submitter. Criteria: Invitae Variant Classification Sherloc (09022015). Collection method: clinical testing. Allele origin: germline.
Comment: This variant is a gross deletion of the genomic region encompassing exon(s) 3 of the SPAST gene. This variant would be expected to be in-frame, preserving the integrity of the reading frame. This variant has not been reported in the literature in individuals affected with SPAST-related conditions. This variant disrupts a region of the SPAST protein in which other variant(s) (p.Leu195Val) have been determined to be pathogenic (Invitae). This suggests that this is a clinically significant region of the protein, and that variants that disrupt it are likely to be disease-causing. For these reasons, this variant has been classified as Pathogenic.